The following is an entry in ClinVar:

ClinVar aggregate classification (germline): Uncertain significance (1 of 4 stars; one submission).

Conditions:
Combined immunodeficiency due to LRBA deficiency. Also called: Common variable immunodeficiency 8, with autoimmunity. Identifiers: Orphanet 445018, MedGen C3553512, MONDO:0013863, OMIM 614700.

Submission:

Labcorp Genetics (formerly Invitae), Labcorp
Classification: Uncertain significance for Combined immunodeficiency due to LRBA deficiency. Last evaluated: 2023-04-04. Review status: criteria provided, single submitter. Criteria: Invitae Variant Classification Sherloc (09022015). Collection method: clinical testing. Allele origin: germline.
Comment: This sequence change replaces glutamine, which is neutral and polar, with lysine, which is basic and polar, at codon 2494 of the LRBA protein (p.Gln2494Lys). This variant is not present in population databases (gnomAD no frequency). This variant has not been reported in the literature in individuals affected with LRBA-related conditions. Advanced modeling of protein sequence and biophysical properties (such as structural, functional, and spatial information, amino acid conservation, physicochemical variation, residue mobility, and thermodynamic stability) performed at Invitae indicates that this missense variant is not expected to disrupt LRBA protein function. In summary, the available evidence is currently insufficient to determine the role of this variant in disease. Therefore, it has been classified as a Variant of Uncertain Significance.

NM_001364905.1(LRBA):c.7447C>A (p.Gln2483Lys)

Gene: LRBA (LPS responsive beige-like anchor protein; minus strand). Cytogenetic location: 4q31.3.
Variant type: single nucleotide variant.
Coding change: c.7447C>A on transcript NM_001364905.1 (MANE Select); coding-DNA position 7447, C replaced by A.
Protein change: p.Gln2483Lys; replaces glutamine 2483 with lysine.
Molecular consequence: missense variant.
Genome position (GRCh38, 1-based): chr4:150,325,814, G>T on the plus strand (C>A on the coding strand, the complement: LRBA is on the minus strand). VCF-style: chr4-150325814-G-T. GRCh37 (hg19) VCF-style: chr4-151246966-G-T.
Other names: c.7447C>A, p.Gln2483Lys (NM_001199282.3, NM_001367550.1); c.7480C>A, p.Gln2494Lys (NM_006726.5); short protein forms Q2483K, Q2494K.
Identifiers: ClinVar variation 2849348 (VCV002849348.3), dbSNP rs1199494812, ClinGen allele CA358601384.